The following is an entry in ClinVar:

ClinVar aggregate classification (germline): Uncertain significance (1 of 4 stars; one submission).

Conditions:
Developmental and epileptic encephalopathy, 12 (DEE12). Identifiers: MedGen C3150988, MONDO:0013389, OMIM 613722.

Submission:

Labcorp Genetics (formerly Invitae), Labcorp
Classification: Uncertain significance for Developmental and epileptic encephalopathy, 12. Last evaluated: 2026-02-02. Review status: criteria provided, single submitter. Criteria: Invitae Variant Classification Sherloc (09022015). Collection method: clinical testing. Allele origin: germline.
Comment: This sequence change replaces threonine, which is neutral and polar, with methionine, which is neutral and non-polar, at codon 490 of the PNKP protein (p.Thr490Met). This variant is not present in population databases (gnomAD no frequency). This variant has not been reported in the literature in individuals affected with PNKP-related conditions. ClinVar contains an entry for this variant (Variation ID: 1418202). Invitae Evidence Modeling of protein sequence and biophysical properties (such as structural, functional, and spatial information, amino acid conservation, physicochemical variation, residue mobility, and thermodynamic stability) indicates that this missense variant is not expected to disrupt PNKP protein function with a negative predictive value of 80%. In summary, the available evidence is currently insufficient to determine the role of this variant in disease. Therefore, it has been classified as a Variant of Uncertain Significance.

NM_007254.4(PNKP):c.1469C>T (p.Thr490Met)

Gene: PNKP (polynucleotide kinase 3'-phosphatase; minus strand). Cytogenetic location: 19q13.33.
Variant type: single nucleotide variant.
Coding change: c.1469C>T on transcript NM_007254.4 (MANE Select); coding-DNA position 1469, C replaced by T.
Protein change: p.Thr490Met; replaces threonine 490 with methionine.
Molecular consequence: missense variant.
Genome position (GRCh38, 1-based): chr19:49,861,345, G>A on the plus strand (C>T on the coding strand, the complement: PNKP is on the minus strand). VCF-style: chr19-49861345-G-A. GRCh37 (hg19) VCF-style: chr19-50364602-G-A.
Other names: short protein forms T490M.
Identifiers: ClinVar variation 1418202 (VCV001418202.5), dbSNP rs2122316177, ClinGen allele CA406932537.